The following is an entry in ClinVar:

ClinVar aggregate classification (germline): Pathogenic (1 of 4 stars; one submission).

Submission:

GeneDx
Classification: Pathogenic. Last evaluated: 2015-09-12. Review status: criteria provided, single submitter. Criteria: GeneDx Variant Classification (06012015). Collection method: clinical testing. Allele origin: germline. Affected: yes.
Comment: The c.3558_3559delGCinsTT variant in the KMT2A gene has not been reported previously as a pathogenic variant nor as a benign polymorphism, to our knowledge. The c.3558_3559delGCinsTT substitution causes a frameshift starting with codon Lysine 1186, changes this amino acid to an Asparagine residue, and creates a premature Stop codon at position 2 of the new reading frame, denoted p.Lys1186AsnfsX2. This variant is predicted to cause loss of normal protein function either through protein truncation or nonsense-mediated mRNA decay. The c.3558_3559delGCinsTT variant was not observed in approximately 6,500 individuals of European and African American ancestry in the NHLBI Exome Sequencing Project, indicating it is not a common benign variant in these populations. We interpret c.3558_3559delGCinsTT as a pathogenic variant.

NM_001197104.2(KMT2A):c.3558_3559delinsTT (p.Lys1186_Gln1187delinsAsnTer)

Gene: KMT2A (lysine methyltransferase 2A; plus strand). Cytogenetic location: 11q23.3.
Variant type: Indel.
Coding change: c.3558_3559delinsTT on transcript NM_001197104.2 (MANE Select); coding-DNA positions 3558 to 3559, GC replaced by TT.
Protein change: p.Lys1186_Gln1187delinsAsnTer.
Molecular consequence: nonsense.
Genome position (GRCh38, 1-based): chr11:118,478,190-118,478,191, GC replaced by TT. VCF-style: chr11-118478190-GC-TT. GRCh37 (hg19) VCF-style: chr11-118348905-GC-TT.
Other names: c.3558_3559delGCinsTT (NM_001197104.1); c.3558_3559delinsTT, p.Lys1186_Gln1187delinsAsnTer (NM_005933.4).
Identifiers: ClinVar variation 429821 (VCV000429821.2), dbSNP rs1131691614, ClinGen allele CA645369515.